The following is an entry in ClinVar:

ClinVar aggregate classification (germline): Uncertain significance. Review status: criteria provided, multiple submitters, no conflicts (2 of 4 stars). 4 submissions from 4 submitters: Uncertain significance (4). Last evaluated 2025-06-18.

Conditions:
Hereditary cancer-predisposing syndrome. Also called: Hereditary Cancer Syndrome; Neoplastic Syndromes, Hereditary; Tumor predisposition; Hereditary neoplastic syndrome. Identifiers: Orphanet 140162, MedGen C0027672, MeSH D009386, MONDO:0015356.
Ataxia-telangiectasia syndrome (AT). Also called: Ataxia-telangiectasia, complementation group D; AT, COMPLEMENTATION GROUP C; Ataxia-telangiectasia; ATAXIA-TELANGIECTASIA, COMPLEMENTATION GROUP A; ATAXIA-TELANGIECTASIA, FRESNO VARIANT; LOUIS-BAR SYNDROME. Identifiers: Orphanet 100, MedGen C0004135, MONDO:0008840, OMIM 208900.

gnomAD v4.1: 1 of 1,612,278 alleles (0.000062%); highest among the groups gnomAD compares: Non-Finnish European, 0.000085%; no homozygotes.

Submissions (4):

Ambry Genetics
Classification: Uncertain significance for Hereditary cancer-predisposing syndrome. Last evaluated: 2025-06-18. Review status: criteria provided, single submitter. Criteria: Ambry Variant Classification Scheme 2023. Collection method: clinical testing. Allele origin: germline.
Comment: The c.2124+5G>A intronic variant results from a G to A substitution 5 nucleotides after coding exon 12 in the ATM gene. This nucleotide position is highly conserved in available vertebrate species. In silico splice site analysis for this alteration is inconclusive. Based on the available evidence, the clinical significance of this variant remains unclear.

Labcorp Genetics (formerly Invitae), Labcorp
Classification: Uncertain significance for Ataxia-telangiectasia syndrome. Last evaluated: 2025-04-10. Review status: criteria provided, single submitter. Criteria: Invitae Variant Classification Sherloc (09022015). Collection method: clinical testing. Allele origin: germline.
Comment: This sequence change falls in intron 13 of the ATM gene. It does not directly change the encoded amino acid sequence of the ATM protein. It affects a nucleotide within the consensus splice site. This variant is not present in population databases (gnomAD no frequency). This variant has not been reported in the literature in individuals affected with ATM-related conditions. ClinVar contains an entry for this variant (Variation ID: 633050). Variants that disrupt the consensus splice site are a relatively common cause of aberrant splicing (PMID: 17576681, 9536098). Algorithms developed to predict the effect of sequence changes on RNA splicing suggest that this variant may disrupt the consensus splice site. In summary, the available evidence is currently insufficient to determine the role of this variant in disease. Therefore, it has been classified as a Variant of Uncertain Significance.

Mendelics
Classification: Uncertain significance for Ataxia-telangiectasia syndrome. Last evaluated: 2019-05-28. Review status: criteria provided, single submitter. Criteria: Mendelics Assertion Criteria 2017. Collection method: clinical testing. Allele origin: unknown.

Women's Health and Genetics/Laboratory Corporation of America, LabCorp
Classification: Uncertain significance. Last evaluated: 2017-11-20. Review status: criteria provided, single submitter. Criteria: LabCorp Variant Classification Summary - May 2015. Collection method: clinical testing. Allele origin: germline.
Comment: Variant summary: The ATM c.2124+5G>A variant involves the alteration of a conserved intronic nucleotide and 5/5 splice prediction tools predict an effect on normal splicing. However, these predictions have yet to be confirmed by functional studies. This variant is absent in 243872 control chromosomes (gnomAD). The variant of interest has not, to our knowledge, been reported in affected individuals via publications and/or reputable databases/clinical diagnostic laboratories; nor evaluated for functional impact by in vivo/vitro studies. Because of the absence of clinical information and the lack of functional studies, the variant is classified as a "Variant of Uncertain Significance (VUS)," until additional information becomes available.

Literature cited by the submitters: PubMed 17576681 (cited by Labcorp Genetics (formerly Invitae), Labcorp); PubMed 9536098 (cited by Labcorp Genetics (formerly Invitae), Labcorp).

NM_000051.4(ATM):c.2124+5G>A

Gene: ATM (ATM serine/threonine kinase; plus strand). Cytogenetic location: 11q22.3.
Variant type: single nucleotide variant.
Coding change: c.2124+5G>A on transcript NM_000051.4 (MANE Select); 5 bases into the intron after coding-DNA position 2124, G replaced by A.
Molecular consequence: intron variant.
Genome position (GRCh38, 1-based): chr11:108,254,044, G>A. VCF-style: chr11-108254044-G-A. GRCh37 (hg19) VCF-style: chr11-108124771-G-A.
Other names: c.2124+5G>A (NM_001351834.2).
Identifiers: ClinVar variation 633050 (VCV000633050.10), dbSNP rs1565390942, ClinGen allele CA913190027.